The following is an entry in ClinVar:

NM_005431.2(XRCC2):c.433C>G (p.Leu145Val)

Gene: XRCC2 (X-ray repair cross complementing 2; minus strand). Cytogenetic location: 7q36.1.
Variant type: single nucleotide variant.
Coding change: c.433C>G on transcript NM_005431.2 (MANE Select); coding-DNA position 433, C replaced by G.
Protein change: p.Leu145Val; replaces leucine 145 with valine.
Molecular consequence: missense variant.
Genome position (GRCh38, 1-based): chr7:152,649,052, G>C on the plus strand (C>G on the coding strand, the complement: XRCC2 is on the minus strand). VCF-style: chr7-152649052-G-C. GRCh37 (hg19) VCF-style: chr7-152346137-G-C.
Other names: short protein forms L145V.
Identifiers: ClinVar variation 409965 (VCV000409965.11), dbSNP rs1060502669, ClinGen allele CA16612147.

ClinVar aggregate classification (germline): Uncertain significance. Review status: criteria provided, multiple submitters, no conflicts (2 of 4 stars). 2 submissions from 2 submitters: Uncertain significance (2). Last evaluated 2016-04-09.

Submissions (2):

Labcorp Genetics (formerly Invitae), Labcorp
Classification: Uncertain significance. Last evaluated: 2016-04-09. Review status: criteria provided, single submitter. Criteria: Invitae Variant Classification Sherloc (09022015). Collection method: clinical testing. Allele origin: germline.
Comment: In summary, this variant is a novel missense change that is not predicted to affect protein function. There is no indication that it causes disease, but the available evidence is currently insufficient to prove that conclusively. Therefore, it has been classified as a Variant of Uncertain Significance. Algorithms developed to predict the effect of missense changes on protein structure and function (SIFT, PolyPhen-2, Align-GVGD) all suggest that this variant is likely to be tolerated, but these predictions have not been confirmed by published functional studies. This variant is not present in population databases (ExAC no frequency) and has not been reported in the literature in individuals with a XRCC2-related disease. This sequence change replaces leucine with valine at codon 145 of the XRCC2 protein (p.Leu145Val). The leucine residue is highly conserved and there is a small physicochemical difference between leucine and valine.

GeneDx
Classification: Uncertain significance. Last evaluated: 2015-06-01. Review status: criteria provided, single submitter. Criteria: GeneDx Variant Classification (06012015). Collection method: clinical testing. Allele origin: germline. Affected: yes.
Comment: This variant is denoted XRCC2 c.433C>G at the cDNA level, p.Leu145Val (L145V) at the protein level, and results in the change of a Leucine to a Valine (CTT>GTT). This variant has not, to our knowledge, been published in the literature as pathogenic or benign. XRCC2 Leu145Val was not observed in approximately 6,500 individuals of European and African American ancestry in the NHLBI Exome Sequencing Project, indicating it is not a common benign variant in these populations. Since Leucine and Valine share similar properties, this is considered a conservative amino acid substitution. XRCC2 Leu145Val occurs at a position where amino acids with properties similar to Leucine are tolerated across species and is located in the Walker B ATP binding motif (Miller 2004). In silico analyses are inconsistent regarding the effect this variant may have on protein structure and function. Based on currently available information, it is unclear whether XRCC2 Leu145Val is pathogenic or benign. We consider it to be a variant of uncertain significance.